The following is an entry in ClinVar:

ClinVar aggregate classification (germline): Uncertain significance (1 of 4 stars; one submission).

Conditions:
Ellis-van Creveld syndrome (EVC). Also called: MESOECTODERMAL DYSPLASIA; Chondroectodermal dysplasia; EVC-Related Ellis-van Creveld Syndrome; EVC2-Related Ellis-van Creveld Syndrome. Identifiers: Orphanet 289, MedGen C0013903, MONDO:0009162, OMIM 225500.
Curry-Hall syndrome (WAD). Also called: WEYERS ACRODENTAL DYSOSTOSIS. Identifiers: Orphanet 952, MedGen C0457013, MONDO:0008673, OMIM 193530.

Allele frequency attached by ClinVar (database versions not stated): gnomAD 0.00001.
gnomAD v4.1: 3 of 1,613,928 alleles (0.00019%); highest among the groups gnomAD compares: South Asian, 0.0022%; no homozygotes.

Submission:

Labcorp Genetics (formerly Invitae), Labcorp
Classification: Uncertain significance for Curry-Hall syndrome; Ellis-van Creveld syndrome. Last evaluated: 2022-05-11. Review status: criteria provided, single submitter. Criteria: Invitae Variant Classification Sherloc (09022015). Collection method: clinical testing. Allele origin: germline.
Comment: This sequence change replaces glycine, which is neutral and non-polar, with aspartic acid, which is acidic and polar, at codon 289 of the EVC protein (p.Gly289Asp). This variant is not present in population databases (gnomAD no frequency). This variant has not been reported in the literature in individuals affected with EVC-related conditions. Algorithms developed to predict the effect of missense changes on protein structure and function (SIFT, PolyPhen-2, Align-GVGD) all suggest that this variant is likely to be tolerated. In summary, the available evidence is currently insufficient to determine the role of this variant in disease. Therefore, it has been classified as a Variant of Uncertain Significance.

NM_153717.3(EVC):c.866G>A (p.Gly289Asp)

Gene: EVC (EvC ciliary complex subunit 1; plus strand). Cytogenetic location: 4p16.2.
Variant type: single nucleotide variant.
Coding change: c.866G>A on transcript NM_153717.3 (MANE Select); coding-DNA position 866, G replaced by A.
Protein change: p.Gly289Asp; replaces glycine 289 with aspartic acid.
Molecular consequence: missense variant.
Genome position (GRCh38, 1-based): chr4:5,745,268, G>A. VCF-style: chr4-5745268-G-A. GRCh37 (hg19) VCF-style: chr4-5746995-G-A.
Other names: c.866G>A, p.Gly289Asp (NM_001306090.2, NM_001306092.2); short protein forms G289D.
Identifiers: ClinVar variation 2157394 (VCV002157394.1), dbSNP rs1347479870, ClinGen allele CA356149438.